The following is an entry in ClinVar:

ClinVar aggregate classification (germline): Uncertain significance (1 of 4 stars; one submission).

Conditions:
Coffin-Siris syndrome 10. Also called: INTELLECTUAL DEVELOPMENTAL DISORDER WITH SPEECH DELAY AND DYSMORPHIC FACIES. Identifiers: MedGen C4760583, MONDO:0032791, OMIM 618506.

Submission:

3billion
Classification: Uncertain significance for Coffin-Siris syndrome 10. Last evaluated: 2022-03-22. Review status: criteria provided, single submitter. Criteria: ACMG Guidelines, 2015. Collection method: clinical testing. Allele origin: germline. Affected: yes. Observed: 1 heterozygote.
Comment: The variant is not observed in the gnomAD v2.1.1 dataset. In silico tool predictions suggest damaging effect of the variant on gene or gene product (REVEL: 0.658>=0.6). A missense variant is a common mechanism . Therefore, this variant is classified as uncertain significance according to the recommendation of ACMG/AMP guideline.

NM_003107.3(SOX4):c.173A>C (p.His58Pro)

Gene: SOX4 (SRY-box transcription factor 4; plus strand). Cytogenetic location: 6p22.3.
Variant type: single nucleotide variant.
Coding change: c.173A>C on transcript NM_003107.3 (MANE Select); coding-DNA position 173, A replaced by C.
Protein change: p.His58Pro; replaces histidine 58 with proline.
Molecular consequence: missense variant.
Genome position (GRCh38, 1-based): chr6:21,594,707, A>C. VCF-style: chr6-21594707-A-C. GRCh37 (hg19) VCF-style: chr6-21594938-A-C.
Other names: short protein forms H58P.
Identifiers: ClinVar variation 1526184 (VCV001526184.1), dbSNP rs2113557050, ClinGen allele CA363269580.